The following is an entry in ClinVar:

ClinVar aggregate classification (germline): Pathogenic. Review status: no assertion criteria provided (0 of 4 stars). 2 submissions from 2 submitters: Pathogenic (2). Last evaluated 2021-06-02.

Conditions:
Megacystis-microcolon-intestinal hypoperistalsis syndrome 3. Identifiers: MedGen C5543513, MONDO:0030294, OMIM 619362.
Visceral myopathy 1 (VSCM1). Also called: Visceral myopathy; Infantile visceral myopathy; ACTG2 Visceral Myopathy. Identifiers: Orphanet 2604, MedGen C5542197, MONDO:0020754, OMIM 155310.

Allele frequency attached by ClinVar (database versions not stated): gnomAD exomes below 0.00001.
gnomAD v4.1: 3 of 1,608,926 alleles (0.00019%); highest among the groups gnomAD compares: Non-Finnish European, 0.00017%; no homozygotes.

Submissions (4):

OMIM
Classification: Pathogenic for MEGACYSTIS-MICROCOLON-INTESTINAL HYPOPERISTALSIS SYNDROME 3 (1 patient). Last evaluated: 2021-06-02. Review status: no assertion criteria provided. Collection method: literature only. Allele origin: germline.

Clinical Genetics, Erasmus University Medical Center
Classification: Pathogenic for Visceral myopathy 1. Last evaluated: 2016-09-15. Review status: no assertion criteria provided. Collection method: clinical testing. Allele origin: inherited. Inheritance: Autosomal recessive inheritance. Affected: yes. Observed: 1 variant allele, 1 homozygote.
Comment: Loss of protein. Functional experiments described in manuscript.

Dr. Peter K. Rogan Lab, Western University
No classification provided (evidence only). Condition: Thyroid cancer, nonmedullary, 1. Review status: no classification provided. Collection method: in vitro. Allele origin: not applicable. Functional consequence: retained intron. Not counted in ClinVar's aggregate classification.

Dr. Peter K. Rogan Lab, Western University
No classification provided (evidence only). Condition: Thyroid cancer, nonmedullary, 1. Review status: no classification provided. Collection method: in vitro. Allele origin: not applicable. Functional consequence: retained intron. Not counted in ClinVar's aggregate classification.

Literature cited by the submitters: PubMed 28292896 (cited by OMIM and Clinical Genetics, Erasmus University Medical Center).

NM_012134.3(LMOD1):c.1108C>T (p.Arg370Ter)

Gene: LMOD1 (leiomodin 1; minus strand). Cytogenetic location: 1q32.1.
Variant type: single nucleotide variant.
Coding change: c.1108C>T on transcript NM_012134.3 (MANE Select); coding-DNA position 1108, C replaced by T.
Protein change: p.Arg370Ter; replaces arginine 370 with a stop codon.
Molecular consequence: nonsense.
Genome position (GRCh38, 1-based): chr1:201,899,905, G>A on the plus strand (C>T on the coding strand, the complement: LMOD1 is on the minus strand). VCF-style: chr1-201899905-G-A. GRCh37 (hg19) VCF-style: chr1-201869033-G-A.
Other names: NC_000001.10:g.201869033G>A; short protein forms R370*.
Identifiers: ClinVar variation 264986 (VCV000264986.5), dbSNP rs777696417, ClinGen allele CA344230937.